The following is an entry in ClinVar:

ClinVar aggregate classification (germline): Uncertain significance. Review status: criteria provided, multiple submitters, no conflicts (2 of 4 stars). 2 submissions from 2 submitters: Uncertain significance (2). Last evaluated 2021-12-12.

Conditions:
Nephronophthisis. Also called: Juvenile Nephronophthisis. Identifiers: Orphanet 655, MedGen C0687120, MONDO:0019005, HP:0000090.
Jeune thoracic dystrophy. Also called: Jeune syndrome; Short-rib thoracic dysplasia; Infantile thoracic dystrophy; Thoracic pelvic phalangeal dystrophy; Jeune's syndrome; Chondroectodermal dysplasia-like syndrome. Identifiers: Orphanet 474, MedGen C0265275, MONDO:0018770.
Asphyxiating thoracic dystrophy 4 (SRTD4). Also called: SHORT-RIB THORACIC DYSPLASIA 4 WITH OR WITHOUT POLYDACTYLY; SHORT-RIB THORACIC DYSPLASIA 4. Identifiers: Orphanet 474, MedGen C3151185, MONDO:0013441, OMIM 613819.
Nephronophthisis 12 (NPHP12). Identifiers: Orphanet 655, MedGen C3151186, MONDO:0013442, OMIM 613820.

Allele frequency attached by ClinVar (database versions not stated): gnomAD 0.00001; TOPMed 0.00001; gnomAD exomes 0.00002.
gnomAD v4.1: 35 of 1,369,096 alleles (0.0026%); highest among the groups gnomAD compares: Non-Finnish European, 0.0033%; no homozygotes.

Submissions (2):

Fulgent Genetics
Classification: Uncertain significance for Asphyxiating thoracic dystrophy 4; Nephronophthisis 12. Last evaluated: 2021-12-12. Review status: criteria provided, single submitter. Criteria: ACMG Guidelines, 2015. Collection method: clinical testing. Allele origin: unknown.

Labcorp Genetics (formerly Invitae), Labcorp
Classification: Uncertain significance for Jeune thoracic dystrophy; Nephronophthisis. Last evaluated: 2021-09-24. Review status: criteria provided, single submitter. Criteria: Invitae Variant Classification Sherloc (09022015). Collection method: clinical testing. Allele origin: germline.
Comment: In summary, the available evidence is currently insufficient to determine the role of this variant in disease. Therefore, it has been classified as a Variant of Uncertain Significance. Algorithms developed to predict the effect of missense changes on protein structure and function (SIFT, PolyPhen-2, Align-GVGD) all suggest that this variant is likely to be tolerated. This variant has not been reported in the literature in individuals affected with TTC21B-related conditions. This variant is not present in population databases (ExAC no frequency). This sequence change replaces serine with leucine at codon 3 of the TTC21B protein (p.Ser3Leu). The serine residue is moderately conserved and there is a large physicochemical difference between serine and leucine.

NM_024753.5(TTC21B):c.8C>T (p.Ser3Leu)

Gene: TTC21B (tetratricopeptide repeat domain 21B; minus strand). Cytogenetic location: 2q24.3.
Variant type: single nucleotide variant.
Coding change: c.8C>T on transcript NM_024753.5 (MANE Select); coding-DNA position 8, C replaced by T.
Protein change: p.Ser3Leu; replaces serine 3 with leucine.
Molecular consequence: missense variant.
Genome position (GRCh38, 1-based): chr2:165,953,698, G>A on the plus strand (C>T on the coding strand, the complement: TTC21B is on the minus strand). VCF-style: chr2-165953698-G-A. GRCh37 (hg19) VCF-style: chr2-166810208-G-A.
Other names: short protein forms S3L.
Identifiers: ClinVar variation 1495803 (VCV001495803.5), dbSNP rs1364155246, ClinGen allele CA349057213.